The following is an entry in ClinVar:

NM_014251.3(SLC25A13):c.1078C>T (p.Arg360Ter)

Gene: SLC25A13 (solute carrier family 25 member 13; minus strand). Cytogenetic location: 7q21.3.
Variant type: single nucleotide variant.
Coding change: c.1078C>T on transcript NM_014251.3 (MANE Select); coding-DNA position 1078, C replaced by T.
Protein change: p.Arg360Ter; replaces arginine 360 with a stop codon.
Molecular consequence: nonsense. On other transcripts: non-coding transcript variant (1).
Genome position (GRCh38, 1-based): chr7:96,184,376, G>A on the plus strand (C>T on the coding strand, the complement: SLC25A13 is on the minus strand). VCF-style: chr7-96184376-G-A. GRCh37 (hg19) VCF-style: chr7-95813688-G-A.
Other names: c.1081C>T, p.Arg361Ter (NM_001160210.2); short protein forms R360*, R361*.
Identifiers: ClinVar variation 21508 (VCV000021508.23), dbSNP rs80338721, ClinGen allele CA342148.

ClinVar aggregate classification (germline): Pathogenic/Likely pathogenic. Review status: criteria provided, multiple submitters, no conflicts (2 of 4 stars). 9 submissions from 9 submitters: Pathogenic (7); Likely pathogenic (1). 1 of the submissions does not count toward it. Last evaluated 2025-12-24.

Conditions:
Citrullinemia. Identifiers: Orphanet 187, MedGen C0175683, MONDO:0015991.
Citrullinemia, type II, adult-onset (CDAA). Also called: CITRIN DEFICIENCY, ADOLESCENT OR ADULT ONSET. Identifiers: Orphanet 247585, MedGen CN295299, MONDO:0011326, OMIM 603471.
Neonatal intrahepatic cholestasis due to citrin deficiency (CDNI). Also called: CITRIN DEFICIENCY, NEONATAL OR INFANTILE ONSET; Neonatal-onset citrullinemia type II; Neonatal-onset citrullinemia type 2; Neonatal Intrahepatic Cholestasis Caused by Citrin Deficiency (NICCD). Identifiers: Orphanet 247598, MedGen C1853942, MONDO:0011601, OMIM 605814.
SLC25A13-related disorder. Also called: SLC25A13-related condition.
Citrin deficiency. Identifiers: Orphanet 247582, MedGen C1997910, MONDO:0016602.
Citrullinemia type II. Also called: Citrullinemia Type II (CTLN2). Identifiers: Orphanet 247585, MedGen C1863844, MONDO:0016603.

Allele frequency attached by ClinVar (database versions not stated): gnomAD 0.00001 and 0.00002; ExAC 0.00004; gnomAD exomes 0.00005; TOPMed 0.00004.
gnomAD v4.1: 32 of 1,614,142 alleles (0.002%); highest among the groups gnomAD compares: East Asian, 0.0045%; no homozygotes.

Submissions (9):

3billion
Classification: Pathogenic for Neonatal intrahepatic cholestasis due to citrin deficiency. Last evaluated: 2025-12-24. Review status: criteria provided, single submitter. Criteria: ACMG Guidelines, 2015. Collection method: clinical testing. Allele origin: germline. Affected: yes.
Comment: The variant is observed at an extremely low frequency in the gnomAD v4.1.0 dataset (total allele frequency: 0.002%). Predicted Consequence/Location: Stop-gained (nonsense): predicted to result in a loss or disruption of normal protein function through nonsense-mediated decay (NMD) or protein truncation. Multiple pathogenic variants are reported downstream of the variant. The variant has been reported at least twice as pathogenic without evidence for the classification (ClinVar ID: VCV000021508 /PMID: 18392553). Therefore, this variant is classified as Pathogenic according to the recommendation of ACMG/AMP guideline.

Natera, Inc.
Classification: Pathogenic for Citrullinemia. Last evaluated: 2025-07-22. Review status: criteria provided, single submitter. Criteria: Natera Variant Classification Schema (03/2026). Collection method: clinical testing. Allele origin: germline.
Comment: The c.1078C>T variant in SLC25A13 is a nonsense variant predicted to introduce a stop codon at amino acid 360. This variant is expected to result in nonsense mediated decay, truncation, or a dysfunctional protein product. This variant is rare in the general population with a frequency below the threshold expected for the associated phenotype(s). This variant has been observed in one or more individuals affected with the associated recessive disease, as either homozygous or compound heterozygous with a second variant (PMID: 26858187). Given the available evidence, this variant is classified as Pathogenic.

Labcorp Genetics (formerly Invitae), Labcorp
Classification: Pathogenic for Citrin deficiency. Last evaluated: 2024-12-16. Review status: criteria provided, single submitter. Criteria: Invitae Variant Classification Sherloc (09022015). Collection method: clinical testing. Allele origin: germline.
Comment: This sequence change creates a premature translational stop signal (p.Arg360*) in the SLC25A13 gene. It is expected to result in an absent or disrupted protein product. Loss-of-function variants in SLC25A13 are known to be pathogenic (PMID: 10369257, 14680984, 27405544). This variant is present in population databases (rs80338721, gnomAD 0.01%). This premature translational stop signal has been observed in individuals with citrin deficiency (PMID: 18392553, 25365849). This variant is also known as c.1081C>T (p.R361X). ClinVar contains an entry for this variant (Variation ID: 21508). For these reasons, this variant has been classified as Pathogenic.

Blueprint Genetics
Classification: Pathogenic for SLC25A13-related disorders. Last evaluated: 2024-10-17. Review status: criteria provided, single submitter. Criteria: ACMG Guidelines, 2015. Collection method: clinical testing. Allele origin: germline. Affected: yes. Observed: 5 variant alleles.

Baylor Genetics
Classification: Pathogenic for Citrullinemia, type II, adult-onset. Last evaluated: 2024-03-30. Review status: criteria provided, single submitter. Criteria: ACMG Guidelines, 2015. Collection method: clinical testing. Allele origin: unknown.

Fulgent Genetics
Classification: Pathogenic for Citrullinemia, type II, adult-onset; Neonatal intrahepatic cholestasis due to citrin deficiency. Last evaluated: 2024-03-04. Review status: criteria provided, single submitter. Criteria: ACMG Guidelines, 2015. Collection method: clinical testing. Allele origin: germline.

Institute of Human Genetics, University of Leipzig Medical Center
Classification: Likely pathogenic for Citrullinemia, type II, adult-onset. Last evaluated: 2019-01-01. Review status: criteria provided, single submitter. Criteria: ACMG Guidelines, 2015. Collection method: clinical testing. Allele origin: unknown. Affected: yes.

Juno Genomics, Hangzhou Juno Genomics, Inc
Classification: Pathogenic for Citrullinemia, type II, adult-onset; Neonatal intrahepatic cholestasis due to citrin deficiency. Review status: criteria provided, single submitter. Criteria: ACMG Guidelines, 2015. Collection method: clinical testing. Allele origin: germline.
Comment: Absent from controls (or at extremely low frequency if recessive) in Genome Aggregation Database.;Null variant in a gene where loss of function (LOF) is a known mechanism of disease.;For recessive disorders, detected in trans with a pathogenic variant.;Patient's phenotype or family history is highly specific for a disease with a single genetic etiology.

GeneReviews
No classification provided. Condition: Citrullinemia, type II, adult-onset. Review status: no classification provided. Collection method: literature only. Allele origin: germline. Not counted in ClinVar's aggregate classification.

Literature cited by the submitters: PubMed 18392553 (cited by 3 submitters); PubMed 26858187 (cited by Natera, Inc.); PubMed 10369257 (cited by Labcorp Genetics (formerly Invitae), Labcorp); PubMed 14680984 (cited by Labcorp Genetics (formerly Invitae), Labcorp); PubMed 27405544 (cited by Labcorp Genetics (formerly Invitae), Labcorp); PubMed 25365849 (cited by Labcorp Genetics (formerly Invitae), Labcorp); NCBI Bookshelf NBK1181 (cited by GeneReviews).